The following is an entry in ClinVar:

NM_004064.5(CDKN1B):c.592A>G (p.Thr198Ala)

Gene: CDKN1B (cyclin dependent kinase inhibitor 1B; plus strand). Cytogenetic location: 12p13.1.
Variant type: single nucleotide variant.
Coding change: c.592A>G on transcript NM_004064.5 (MANE Select); coding-DNA position 592, A replaced by G.
Protein change: p.Thr198Ala; replaces threonine 198 with alanine.
Molecular consequence: missense variant.
Genome position (GRCh38, 1-based): chr12:12,718,941, A>G. VCF-style: chr12-12718941-A-G. GRCh37 (hg19) VCF-style: chr12-12871875-A-G.
Other names: short protein forms T198A.
Identifiers: ClinVar variation 3662094 (VCV003662094.2).
Genomic context (GRCh38, chr12:12,718,941, plus strand): 5'-TCCCCAAATGCCGGTTCTGTGGAGCAGACGCCCAAGAAGCCTGGCCTCAGAAGACGTCAA[A>G]CGTAAACAGCTCGGTGGGTTGATCACTAAAGGAGCACGCACTGGAACCCGGGGCCTTCAG-3'
Protein context (NP_004055.1, residues 188-198): PKKPGLRRRQ[Thr198Ala]

ClinVar aggregate classification (germline): Uncertain significance (1 of 4 stars; one submission).

Conditions:
Multiple endocrine neoplasia type 4. Also called: MULTIPLE ENDOCRINE NEOPLASIA, TYPE IV. Identifiers: Orphanet 276152, MedGen C1970712, MONDO:0012552, OMIM 610755.

Submission:

Labcorp Genetics (formerly Invitae), Labcorp
Classification: Uncertain significance for Multiple endocrine neoplasia type 4. Last evaluated: 2026-01-05. Review status: criteria provided, single submitter. Criteria: Invitae Variant Classification Sherloc (09022015). Collection method: clinical testing. Allele origin: germline.
Comment: This sequence change replaces threonine, which is neutral and polar, with alanine, which is neutral and non-polar, at codon 198 of the CDKN1B protein (p.Thr198Ala). This variant is not present in population databases (gnomAD no frequency). This variant has not been reported in the literature in individuals affected with CDKN1B-related conditions. ClinVar contains an entry for this variant (Variation ID: 3662094). An algorithm developed to predict the effect of missense changes on protein structure and function (PolyPhen-2) suggests that this variant is likely to be disruptive. In summary, the available evidence is currently insufficient to determine the role of this variant in disease. Therefore, it has been classified as a Variant of Uncertain Significance.